The following is an entry in ClinVar:

ClinVar aggregate classification (germline): Uncertain significance (0 of 4 stars; one submission).

Conditions:
ALMS1-related disorder. Also called: ALMS1-related condition.

Submission:

PreventionGenetics, part of Exact Sciences
Classification: Uncertain significance for ALMS1-related condition. Last evaluated: 2024-06-10. Review status: no assertion criteria provided. Collection method: clinical testing. Allele origin: germline.
Comment: The ALMS1 c.2940G>A variant is predicted to result in the amino acid substitution p.Met980Ile. To our knowledge, this variant has not been reported in the literature. This variant is reported in 0.00089% of alleles in individuals of European (Non-Finnish) descent in gnomAD. At this time, the clinical significance of this variant is uncertain due to the absence of conclusive functional and genetic evidence.

NM_001378454.1(ALMS1):c.2937G>A (p.Leu979=)

Gene: ALMS1 (ALMS1 centrosome and basal body associated protein; plus strand). Cytogenetic location: 2p13.1.
Variant type: single nucleotide variant.
Coding change: c.2937G>A on transcript NM_001378454.1 (MANE Select); coding-DNA position 2937, G replaced by A.
Protein change: p.Leu979=; no amino-acid change (leucine 979 retained).
Molecular consequence: synonymous variant.
Genome position (GRCh38, 1-based): chr2:73,449,464, G>A. VCF-style: chr2-73449464-G-A. GRCh37 (hg19) VCF-style: chr2-73676591-G-A.
Other names: c.2940G>A, p.Leu980= (NM_015120.4).
Identifiers: ClinVar variation 3351575 (VCV003351575.1).